The following is an entry in ClinVar:

NM_001199138.2(NLRC4):c.318G>C (p.Lys106Asn)

Gene: NLRC4 (NLR family CARD domain containing 4; minus strand). Cytogenetic location: 2p22.3.
Variant type: single nucleotide variant.
Coding change: c.318G>C on transcript NM_001199138.2 (MANE Select); coding-DNA position 318, G replaced by C.
Protein change: p.Lys106Asn; replaces lysine 106 with asparagine.
Molecular consequence: missense variant. On other transcripts: intron variant (1).
Genome position (GRCh38, 1-based): chr2:32,251,546, C>G on the plus strand (G>C on the coding strand, the complement: NLRC4 is on the minus strand). VCF-style: chr2-32251546-C-G. GRCh37 (hg19) VCF-style: chr2-32476615-C-G.
Other names: c.318G>C, p.Lys106Asn (NM_001199139.2, NM_021209.5); c.262+873G>C (NM_001302504.1); short protein forms K106N.
Identifiers: ClinVar variation 2951886 (VCV002951886.3), dbSNP rs2466764295, ClinGen allele CA346516489.

ClinVar aggregate classification (germline): Uncertain significance (1 of 4 stars; one submission).

Conditions:
Periodic fever-infantile enterocolitis-autoinflammatory syndrome. Also called: Autoinflammation with infantile enterocolitis. Identifiers: Orphanet 436166, MedGen C4015067, MONDO:0014472, OMIM 616050.
Familial cold autoinflammatory syndrome 4 (FCAS4). Identifiers: Orphanet 47045, Orphanet 576349, MedGen C4015276, MONDO:0014498, OMIM 616115.

Submission:

Labcorp Genetics (formerly Invitae), Labcorp
Classification: Uncertain significance for Periodic fever-infantile enterocolitis-autoinflammatory syndrome; Familial cold autoinflammatory syndrome 4. Last evaluated: 2023-09-12. Review status: criteria provided, single submitter. Criteria: Invitae Variant Classification Sherloc (09022015). Collection method: clinical testing. Allele origin: germline.
Comment: In summary, the available evidence is currently insufficient to determine the role of this variant in disease. Therefore, it has been classified as a Variant of Uncertain Significance. Advanced modeling of protein sequence and biophysical properties (such as structural, functional, and spatial information, amino acid conservation, physicochemical variation, residue mobility, and thermodynamic stability) performed at Invitae indicates that this missense variant is expected to disrupt NLRC4 protein function. This variant has not been reported in the literature in individuals affected with NLRC4-related conditions. This variant is not present in population databases (gnomAD no frequency). This sequence change replaces lysine, which is basic and polar, with asparagine, which is neutral and polar, at codon 106 of the NLRC4 protein (p.Lys106Asn).